The following is an entry in ClinVar:

ClinVar aggregate classification (germline): Pathogenic (1 of 4 stars; one submission).

Submission:

Labcorp Genetics (formerly Invitae), Labcorp
Classification: Pathogenic. Last evaluated: 2024-12-19. Review status: criteria provided, single submitter. Criteria: Invitae Variant Classification Sherloc (09022015). Collection method: clinical testing. Allele origin: germline.
Comment: This sequence change creates a premature translational stop signal (p.Val922Profs*37) in the PDZD7 gene. While this is not anticipated to result in nonsense mediated decay, it is expected to disrupt the last 112 amino acid(s) of the PDZD7 protein. This variant is not present in population databases (gnomAD no frequency). This variant has not been reported in the literature in individuals affected with PDZD7-related conditions. Algorithms developed to predict the effect of sequence changes on RNA splicing suggest that this variant may disrupt the consensus splice site. This variant disrupts a region of the PDZD7 protein in which other variant(s) (p.Arg933del) have been determined to be pathogenic (internal data). This suggests that this is a clinically significant region of the protein, and that variants that disrupt it are likely to be disease-causing. For these reasons, this variant has been classified as Pathogenic.

NM_001195263.2(PDZD7):c.2764_2768del (p.Val922fs)

Gene: PDZD7 (PDZ domain containing 7; minus strand). Cytogenetic location: 10q24.31.
Variant type: Deletion.
Coding change: c.2764_2768del on transcript NM_001195263.2 (MANE Select); coding-DNA positions 2764 to 2768, 5 bases deleted (GTGAC; older notation c.2764_2768delGTGAC).
Protein change: p.Val922fs; shifts the reading frame from valine 922.
Molecular consequence: frameshift variant.
Genome position (GRCh38, 1-based): chr10:101,008,801-101,008,805, GTCAC deleted on the plus strand (GTGAC on the coding strand, the reverse complement: PDZD7 is on the minus strand). VCF-style (leftmost placement, unchanged base first): chr10-101008800-GGTCAC-G. GRCh37 (hg19) VCF-style: chr10-102768557-GGTCAC-G.
Other names: short protein forms V922fs.
Identifiers: ClinVar variation 3679460 (VCV003679460.2).